The following is an entry in ClinVar:

NM_145870.3(GSTZ1):c.584T>C (p.Val195Ala)

Gene: GSTZ1 (glutathione S-transferase zeta 1; plus strand). Cytogenetic location: 14q24.3.
Variant type: single nucleotide variant.
Coding change: c.584T>C on transcript NM_145870.3 (MANE Select); coding-DNA position 584, T replaced by C.
Protein change: p.Val195Ala; replaces valine 195 with alanine.
Molecular consequence: missense variant.
Genome position (GRCh38, 1-based): chr14:77,331,128, T>C. VCF-style: chr14-77331128-T-C. GRCh37 (hg19) VCF-style: chr14-77797471-T-C.
Other names: c.419T>C, p.Val140Ala (NM_001312660.2); c.587T>C, p.Val196Ala (NM_001363703.2); c.458T>C, p.Val153Ala (NM_145871.3); short protein forms V140A, V153A, V195A, V196A.
Identifiers: ClinVar variation 3057479 (VCV003057479.3), dbSNP rs112779751, ClinGen allele CA7286681.

ClinVar aggregate classification (germline): Likely benign. Review status: criteria provided, single submitter (1 of 4 stars). 2 submissions from 2 submitters: Likely benign (1). 1 of the submissions does not count toward it. Last evaluated 2025-08-14.

Conditions:
GSTZ1-related disorder. Also called: GSTZ1-related condition.

Allele frequency attached by ClinVar (database versions not stated): gnomAD exomes 0.00012; ExAC 0.00035; ESP Exome Variant Server 0.00085; TOPMed 0.00126; gnomAD 0.00127; 1000 Genomes Project 30x 0.00219; 1000 Genomes Project 0.00220.
gnomAD v4.1: 403 of 1,614,002 alleles (0.025%); highest among the groups gnomAD compares: African/African-American, 0.45%; 1 homozygote.

Submissions (2):

Ambry Genetics
Classification: Likely benign. Last evaluated: 2025-08-14. Review status: criteria provided, single submitter. Criteria: Ambry Variant Classification Scheme 2023. Collection method: clinical testing. Allele origin: germline.

PreventionGenetics, part of Exact Sciences
Classification: Likely benign for GSTZ1-related condition. Last evaluated: 2023-03-07. Review status: no assertion criteria provided. Collection method: clinical testing. Allele origin: germline. Not counted in ClinVar's aggregate classification.
Comment: This variant is classified as likely benign based on ACMG/AMP sequence variant interpretation guidelines (Richards et al. 2015 PMID: 25741868, with internal and published modifications).